The following is an entry in ClinVar:

NM_178822.5(IGSF10):c.280C>T (p.His94Tyr)

Gene: IGSF10 (immunoglobulin superfamily member 10; minus strand). Cytogenetic location: 3q25.1.
Variant type: single nucleotide variant.
Coding change: c.280C>T on transcript NM_178822.5 (MANE Select); coding-DNA position 280, C replaced by T.
Protein change: p.His94Tyr; replaces histidine 94 with tyrosine.
Molecular consequence: missense variant.
Genome position (GRCh38, 1-based): chr3:151,457,070, G>A on the plus strand (C>T on the coding strand, the complement: IGSF10 is on the minus strand). VCF-style: chr3-151457070-G-A. GRCh37 (hg19) VCF-style: chr3-151174858-G-A.
Other names: c.280C>T, p.His94Tyr (NM_001385060.1, NM_001385061.1, NM_001385062.1 and 1 more transcripts); short protein forms H94Y.
Identifiers: ClinVar variation 4874783 (VCV004874783.2).

ClinVar aggregate classification (germline): Likely benign (1 of 4 stars; one submission).

gnomAD v4.1: 11 of 1,614,060 alleles (0.00068%); highest among the groups gnomAD compares: Admixed American, 0.018%; no homozygotes.

Submission:

CeGaT Center for Human Genetics Tuebingen
Classification: Likely benign. Last evaluated: 2026-04-01. Review status: criteria provided, single submitter. Criteria: CeGaT Center For Human Genetics Tuebingen Variant Classification Criteria Version 2. Collection method: clinical testing. Allele origin: germline. Affected: yes. Observed: 1 variant allele.
Comment: IGSF10: BP4